The following is an entry in ClinVar:

NM_201384.3(PLEC):c.7345C>T (p.Arg2449Trp)

Gene: PLEC (plectin; minus strand). Cytogenetic location: 8q24.3.
Variant type: single nucleotide variant.
Coding change: c.7345C>T on transcript NM_201384.3 (MANE Select); coding-DNA position 7345, C replaced by T.
Protein change: p.Arg2449Trp; replaces arginine 2449 with tryptophan.
Molecular consequence: missense variant.
Genome position (GRCh38, 1-based): chr8:143,922,584, G>A on the plus strand (C>T on the coding strand, the complement: PLEC is on the minus strand). VCF-style: chr8-143922584-G-A. GRCh37 (hg19) VCF-style: chr8-144996752-G-A.
Other names: c.7426C>T, p.Arg2476Trp (NM_000445.5); c.7303C>T, p.Arg2435Trp (NM_201378.4); c.7279C>T, p.Arg2427Trp (NM_201379.3); c.7756C>T, p.Arg2586Trp (NM_201380.4); c.7249C>T, p.Arg2417Trp (NM_201381.3); c.7345C>T, p.Arg2449Trp (NM_201382.4); c.7357C>T, p.Arg2453Trp (NM_201383.3); short protein forms R2417W, R2427W, R2435W, R2449W, R2453W, R2476W, R2586W.
Identifiers: ClinVar variation 392741 (VCV000392741.9), dbSNP rs571406033, ClinGen allele CA4925681.

ClinVar aggregate classification (germline): Uncertain significance. Review status: criteria provided, multiple submitters, no conflicts (2 of 4 stars). 4 submissions from 4 submitters: Uncertain significance (4). Last evaluated 2025-08-11.

Conditions:
Inborn genetic diseases. Identifiers: MedGen C0950123, MeSH D030342.
Epidermolysis bullosa simplex with nail dystrophy (EBS5D). Identifiers: MedGen C4225309, MONDO:0014661, OMIM 616487.
Epidermolysis bullosa simplex, Ogna type (EBS5A). Also called: Pidermolysis bullosa simplex 5A, Ogna type; EPIDERMOLYSIS BULLOSA SIMPLEX 5A, OGNA TYPE. Identifiers: Orphanet 79401, MedGen C0432317, MONDO:0007555, OMIM 131950.
Epidermolysis bullosa simplex 5C, with pyloric atresia (EBS5C). Also called: PLEC1-Related Epidermolysis Bullosa with Pyloric Atresia; PLEC-Related Epidermolysis Bullosa with Pyloric Atresia; Epidermolysis bullosa simplex with pyloric atresia. Identifiers: Orphanet 158684, MedGen C2677349, MONDO:0012807, OMIM 612138.
Epidermolysis bullosa simplex 5B, with muscular dystrophy (EBS5B). Also called: EPIDERMOLYSIS BULLOSA SIMPLEX AND LIMB-GIRDLE MUSCULAR DYSTROPHY; Epidermolysis bullosa simplex with muscular dystrophy. Identifiers: Orphanet 257, MedGen C2931072, MONDO:0009181, OMIM 226670.
Autosomal recessive limb-girdle muscular dystrophy type 2Q (LGMDR17). Also called: MUSCULAR DYSTROPHY, LIMB-GIRDLE, AUTOSOMAL RECESSIVE 17. Identifiers: Orphanet 254361, MedGen C3150989, MONDO:0013390, OMIM 613723.

Allele frequency attached by ClinVar (database versions not stated): gnomAD exomes 0.00001 and 0.00002; gnomAD 0.00002 and 0.00003; ExAC 0.00001; TOPMed 0.00003; 1000 Genomes Project 30x 0.00016; 1000 Genomes Project 0.00020.
gnomAD v4.1: 40 of 1,613,554 alleles (0.0025%); highest among the groups gnomAD compares: Non-Finnish European, 0.0029%; no homozygotes.

Submissions (4):

Ambry Genetics
Classification: Uncertain significance for Inborn genetic diseases. Last evaluated: 2025-08-11. Review status: criteria provided, single submitter. Criteria: Ambry Variant Classification Scheme 2023. Collection method: clinical testing. Allele origin: germline.

Revvity Omics, Revvity
Classification: Uncertain significance. Last evaluated: 2023-11-15. Review status: criteria provided, single submitter. Criteria: ACMG Guidelines, 2015. Collection method: clinical testing. Allele origin: germline.

Labcorp Genetics (formerly Invitae), Labcorp
Classification: Uncertain significance for Autosomal recessive limb-girdle muscular dystrophy type 2Q; Epidermolysis bullosa simplex, Ogna type; Epidermolysis bullosa simplex with nail dystrophy; Epidermolysis bullosa simplex 5C, with pyloric atresia; Epidermolysis bullosa simplex 5B, with muscular dystrophy. Last evaluated: 2022-06-04. Review status: criteria provided, single submitter. Criteria: Invitae Variant Classification Sherloc (09022015). Collection method: clinical testing. Allele origin: germline.
Comment: ClinVar contains an entry for this variant (Variation ID: 392741). Algorithms developed to predict the effect of missense changes on protein structure and function (SIFT, PolyPhen-2, Align-GVGD) all suggest that this variant is likely to be disruptive. In summary, the available evidence is currently insufficient to determine the role of this variant in disease. Therefore, it has been classified as a Variant of Uncertain Significance. This variant has not been reported in the literature in individuals affected with PLEC-related conditions. This sequence change replaces arginine, which is basic and polar, with tryptophan, which is neutral and slightly polar, at codon 2476 of the PLEC protein (p.Arg2476Trp). This variant is present in population databases (rs571406033, gnomAD 0.003%).

GeneDx
Classification: Uncertain significance. Last evaluated: 2017-01-13. Review status: criteria provided, single submitter. Criteria: GeneDx Variant Classification (06012015). Collection method: clinical testing. Allele origin: germline. Affected: yes.
Comment: A variant of uncertain significance has been identified in the PLEC gene. The R2476W variant has not been published as a pathogenic variant, nor has it been reported as a benign variant to our knowledge. The R2476W variant is not observed at a significant frequency in large population cohorts (Lek et al., 2016; 1000 Genomes Consortium et al., 2015; Exome Variant Server). The R2476W variant is a non-conservative amino acid substitution, which is likely to impact secondary protein structure as these residues differ in polarity, charge, size and/or other properties. In silico analysis predicts this variant is probably damaging to the protein structure/function. However, this substitution occurs at a position where amino acids with similar properties to Arginine are tolerated across species and missense variants in nearby residues have not been reported in Human Gene Mutation Database in association with PLEC-related disorders (Stenson et al., 2014). Therefore, based on the currently available information, it is unclear whether this variant is a pathogenic variant or a rare benign variant.